The following is an entry in ClinVar:

ClinVar aggregate classification (germline): Likely pathogenic (1 of 4 stars; one submission).

Submission:

Labcorp Genetics (formerly Invitae), Labcorp
Classification: Likely pathogenic. Last evaluated: 2022-01-22. Review status: criteria provided, single submitter. Criteria: Invitae Variant Classification Sherloc (09022015). Collection method: clinical testing. Allele origin: germline.
Comment: This variant results in the deletion of part of exon 13 (c.1445_1482+235del) of the PHEX gene. It is expected to disrupt RNA splicing. Variants that disrupt the donor or acceptor splice site typically lead to a loss of protein function (PMID: 16199547), and loss-of-function variants in PHEX are known to be pathogenic (PMID: 9097956, 9106524, 19219621). This variant is not present in population databases (gnomAD no frequency). In summary, the currently available evidence indicates that the variant is pathogenic, but additional data are needed to prove that conclusively. Therefore, this variant has been classified as Likely Pathogenic. This variant has been observed in individual(s) with hypophosphatemia (Invitae).

Literature cited by the submitters: PubMed 16199547; PubMed 9097956; PubMed 9106524; PubMed 19219621.

NM_000444.6(PHEX):c.1445_1482+235del

Genes: PHEX (phosphate regulating endopeptidase X-linked; plus strand), PHEX-AS1 (PHEX antisense RNA 1; minus strand). Cytogenetic location: Xp22.11.
Variant type: Deletion.
Coding change: c.1445_1482+235del on transcript NM_000444.6 (MANE Select); coding-DNA position 1445 through 235 bases into the intron after coding-DNA position 1482, 273 bases deleted.
Molecular consequence: splice donor variant.
Genome position (GRCh38, 1-based): chrX:22,168,352-22,168,624, 273 bases deleted. GRCh37 (hg19): chrX:22,186,469-22,186,741.
Other names: c.1445_1482+235del (NM_001282754.2).
Identifiers: ClinVar variation 1914055 (VCV001914055.5), dbSNP rs2518593163, ClinGen allele CA2580100468.